The following is an entry in ClinVar:

NM_000132.4(F8):c.89A>G (p.Glu30Gly)

Gene: F8 (coagulation factor VIII; minus strand). Cytogenetic location: Xq28.
Variant type: single nucleotide variant.
Coding change: c.89A>G on transcript NM_000132.4 (MANE Select); coding-DNA position 89, A replaced by G.
Protein change: p.Glu30Gly; replaces glutamic acid 30 with glycine.
Molecular consequence: missense variant.
Genome position (GRCh38, 1-based): chrX:155,022,464, T>C on the plus strand (A>G on the coding strand, the complement: F8 is on the minus strand). VCF-style: chrX-155022464-T-C. GRCh37 (hg19) VCF-style: chrX-154250739-T-C.
Other names: short protein forms E30G.
Identifiers: ClinVar variation 1330445 (VCV001330445.7), dbSNP rs137852378, ClinGen allele CA414920550.
Genomic context (GRCh38, chrX:155,022,464, plus strand): 5'-CTTTACCTTGCGTCCACAGGCAGCTCACCGAGATCACTTTGCATATAGTCCCATGACAGT[T>C]CCACTGCACCCAGGTAGTATCTTCTGGTGGCACTAAAGCAGAATCGCAAAAGGCACAGAA-3'
Protein context (NP_000123.1, residues 20-40): ATRRYYLGAV[Glu30Gly]LSWDYMQSDL

ClinVar aggregate classification (germline): Uncertain significance (1 of 4 stars; one submission).

Conditions:
Hereditary factor VIII deficiency disease (HEMA). Also called: HEMOPHILIA, CLASSIC; AUTOSOMAL HEMOPHILIA A; Hemophilia A; Hemophilia A, congenital; HEM A; Factor 8 deficiency, congenital. Identifiers: Orphanet 98878, MedGen C0019069, MONDO:0010602, OMIM 306700.

Submission:

ARUP Laboratories, Molecular Genetics and Genomics, ARUP Laboratories
Classification: Uncertain significance for Hereditary factor VIII deficiency disease. Last evaluated: 2021-08-19. Review status: criteria provided, single submitter. Criteria: ARUP Molecular Germline Variant Investigation Process 2021. Collection method: clinical testing. Allele origin: germline.
Comment: The F8 c.89A>G; p.Glu30Gly variant, to our knowledge, is not reported in the medical literature or gene specific databases. This variant is also absent from the Genome Aggregation Database, indicating it is not a common polymorphism. Additionally, other variants at this codon (c.88G>A, p.Glu30Lys; c.89A>T, p.Glu30Val) have been reported in individuals with mild to moderate hemophilia A and are considered pathogenic (see F8 database and references therein, Abdul-Ghafar 2010). The glutamic acid at codon 30 is highly conserved, and computational analyses predict that this variant is deleterious (REVEL: 0.83). However, given the lack of clinical and functional data, the significance of the p.Glu30Gly variant is uncertain at this time. References: Link to F8 database and references therein : Abdul-Ghafar A et al. Ten novel factor VIII (F8C) mutations in eighteen haemophilia A families detected in Singapore. Haemophilia. 2010 May;16(3):551-3. PMID: 20028422.